The following is an entry in ClinVar:

NM_172362.3(KCNH1):c.2839A>C (p.Ile947Leu)

Gene: KCNH1 (potassium voltage-gated channel subfamily H member 1; minus strand). Cytogenetic location: 1q32.2.
Variant type: single nucleotide variant.
Coding change: c.2839A>C on transcript NM_172362.3 (MANE Select); coding-DNA position 2839, A replaced by C.
Protein change: p.Ile947Leu; replaces isoleucine 947 with leucine.
Molecular consequence: missense variant.
Genome position (GRCh38, 1-based): chr1:210,683,412, T>G on the plus strand (A>C on the coding strand, the complement: KCNH1 is on the minus strand). VCF-style: chr1-210683412-T-G. GRCh37 (hg19) VCF-style: chr1-210856754-T-G.
Other names: c.2758A>C, p.Ile920Leu (NM_002238.4); short protein forms I920L, I947L.
Identifiers: ClinVar variation 3633719 (VCV003633719.2).

ClinVar aggregate classification (germline): Uncertain significance (1 of 4 stars; one submission).

Submission:

Labcorp Genetics (formerly Invitae), Labcorp
Classification: Uncertain significance. Last evaluated: 2024-05-02. Review status: criteria provided, single submitter. Criteria: Invitae Variant Classification Sherloc (09022015). Collection method: clinical testing. Allele origin: germline.
Comment: This sequence change replaces isoleucine, which is neutral and non-polar, with leucine, which is neutral and non-polar, at codon 947 of the KCNH1 protein (p.Ile947Leu). This variant is not present in population databases (gnomAD no frequency). This variant has not been reported in the literature in individuals affected with KCNH1-related conditions. Advanced modeling of protein sequence and biophysical properties (such as structural, functional, and spatial information, amino acid conservation, physicochemical variation, residue mobility, and thermodynamic stability) performed at Invitae indicates that this missense variant is not expected to disrupt KCNH1 protein function with a negative predictive value of 95%. In summary, the available evidence is currently insufficient to determine the role of this variant in disease. Therefore, it has been classified as a Variant of Uncertain Significance.